The following is an entry in ClinVar:

NM_014423.4(AFF4):c.767A>C (p.Tyr256Ser)

Gene: AFF4 (ALF transcription elongation factor 4; minus strand). Cytogenetic location: 5q31.1.
Variant type: single nucleotide variant.
Coding change: c.767A>C on transcript NM_014423.4 (MANE Select); coding-DNA position 767, A replaced by C.
Protein change: p.Tyr256Ser; replaces tyrosine 256 with serine.
Molecular consequence: missense variant.
Genome position (GRCh38, 1-based): chr5:132,934,298, T>G on the plus strand (A>C on the coding strand, the complement: AFF4 is on the minus strand). VCF-style: chr5-132934298-T-G. GRCh37 (hg19) VCF-style: chr5-132269990-T-G.
Other names: short protein forms Y256S.
Identifiers: ClinVar variation 3766957 (VCV003766957.1).
Genomic context (GRCh38, chr5:132,934,298, plus strand): 5'-CTGTAGTGCTCAGAGGACAGCTTTGGTTCCATGGACTCCTGTCCGTCCATGGGCCGCACA[T>G]AGGCAGTGGGTTTCTGTAACATTGAATTGGACTTTGACATCAATGAGGGTGGGAAAGATT-3'
Protein context (NP_055238.1, residues 246-266): SNSMLQKPTA[Tyr256Ser]VRPMDGQESM

ClinVar aggregate classification (germline): Likely pathogenic (1 of 4 stars; one submission).

Conditions:
Cognitive impairment - coarse facies - heart defects - obesity - pulmonary involvement - short stature - skeletal dysplasia syndrome. Also called: AFF4-Related CHOPS Syndrome; COGNITIVE IMPAIRMENT, COARSE FACIES, HEART DEFECTS, OBESITY, PULMONARY INVOLVEMENT, SHORT STATURE, AND SKELETAL DYSPLASIA; Chops syndrome. Identifiers: Orphanet 444077, MedGen C4085597, MONDO:0014609, OMIM 616368.

Submission:

ARUP Laboratories, Molecular Genetics and Genomics, ARUP Laboratories
Classification: Likely pathogenic for Cognitive impairment - coarse facies - heart defects - obesity - pulmonary involvement - short stature - skeletal dysplasia syndrome. Last evaluated: 2024-11-05. Review status: criteria provided, single submitter. Criteria: ARUP Molecular Germline Variant Investigation Process 2024. Collection method: clinical testing. Allele origin: germline.
Comment: The AFF4 c.767A>C;p.Tyr256Ser variant, to our knowledge, is not reported in the medical literature or gene specific databases. This variant is also absent from the Genome Aggregation Database (v2.1.1), indicating it is not a common polymorphism. Computational analyses predict that this variant is deleterious (REVEL: 0.793). Based on available information, this variant is considered to be likely pathogenic.